The following is an entry in ClinVar:

ClinVar aggregate classification (germline): Uncertain significance. Review status: criteria provided, multiple submitters, no conflicts (2 of 4 stars). 3 submissions from 3 submitters: Uncertain significance (3). Last evaluated 2026-04-17.

Conditions:
FOXI1-related disorder. Also called: FOXI1-related condition.
Autosomal recessive nonsyndromic hearing loss 4 (DFNB4). Also called: DEAFNESS, AUTOSOMAL RECESSIVE 4, WITH ENLARGED VESTIBULAR AQUEDUCT, DIGENIC; Deafness, autosomal recessive 4, with enlarged vestibular aqueduct; Deafness, autosomal recessive 4; FOXI1-Related Pendred Syndrome; KCNJ10-Related Pendred Syndrome; Nonsyndromic enlarged vestibular aqueduct (NSEVA). Identifiers: Orphanet 90636, MedGen C3538946, MONDO:0010933, OMIM 600791.

Allele frequency attached by ClinVar (database versions not stated): gnomAD exomes 0.00003; ExAC 0.00012; 1000 Genomes Project 30x 0.00016; 1000 Genomes Project 0.00020; gnomAD 0.00021; ESP Exome Variant Server 0.00100.
gnomAD v4.1: 74 of 1,614,110 alleles (0.0046%); highest among the groups gnomAD compares: African/African-American, 0.079%; no homozygotes.

Submissions (3):

PreventionGenetics, part of Exact Sciences
Classification: Uncertain significance for FOXI1-related condition. Last evaluated: 2026-04-17. Review status: criteria provided, single submitter. Criteria: ACMG Guidelines, 2015. Collection method: clinical testing. Allele origin: germline.
Comment: The FOXI1 c.776G>A variant is predicted to result in the amino acid substitution p.Gly259Asp. To our knowledge, this variant has not been reported in the literature. This variant is reported in 0.080% of alleles in individuals of African descent in gnomAD. Although we suspect that this variant may be benign, at this time, the clinical significance of this variant is uncertain due to the absence of conclusive functional and genetic evidence.

Fulgent Genetics
Classification: Uncertain significance for Autosomal recessive nonsyndromic hearing loss 4. Last evaluated: 2024-04-17. Review status: criteria provided, single submitter. Criteria: ACMG Guidelines, 2015. Collection method: clinical testing. Allele origin: germline.

Labcorp Genetics (formerly Invitae), Labcorp
Classification: Uncertain significance. Last evaluated: 2022-02-08. Review status: criteria provided, single submitter. Criteria: Invitae Variant Classification Sherloc (09022015). Collection method: clinical testing. Allele origin: germline.
Comment: This sequence change replaces glycine, which is neutral and non-polar, with aspartic acid, which is acidic and polar, at codon 259 of the FOXI1 protein (p.Gly259Asp). This variant is present in population databases (rs139420743, gnomAD 0.08%). This variant has not been reported in the literature in individuals affected with FOXI1-related conditions. Algorithms developed to predict the effect of missense changes on protein structure and function are either unavailable or do not agree on the potential impact of this missense change (SIFT: "Deleterious"; PolyPhen-2: "Benign"; Align-GVGD: "Class C0"). In summary, the available evidence is currently insufficient to determine the role of this variant in disease. Therefore, it has been classified as a Variant of Uncertain Significance.

NM_012188.5(FOXI1):c.776G>A (p.Gly259Asp)

Gene: FOXI1 (forkhead box I1; plus strand). Cytogenetic location: 5q35.1.
Variant type: single nucleotide variant.
Coding change: c.776G>A on transcript NM_012188.5 (MANE Select); coding-DNA position 776, G replaced by A.
Protein change: p.Gly259Asp; replaces glycine 259 with aspartic acid.
Molecular consequence: missense variant. On other transcripts: intron variant (1).
Genome position (GRCh38, 1-based): chr5:170,108,250, G>A. VCF-style: chr5-170108250-G-A. GRCh37 (hg19) VCF-style: chr5-169535254-G-A.
Other names: c.575-84G>A (NM_144769.4); c.776G>A (NM_012188.4); short protein forms G259D.
Identifiers: ClinVar variation 2049223 (VCV002049223.3), dbSNP rs139420743, ClinGen allele CA3555094.
Genomic context (GRCh38, chr5:170,108,250, plus strand): 5'-CGGTGGACAGCCCCAAGACCACGGAGCCTCAGGACATCTTGGATGGAGCCTCACCAGGGG[G>A]CACCACCAGCTCCCCAGAGAAGCGGCCCTCCCCTCCCCCATCAGGCGCCCCTTGCCTTAA-3'
Protein context (NP_036320.2, residues 249-269): QDILDGASPG[Gly259Asp]TTSSPEKRPS